The following is an entry in ClinVar:

ClinVar aggregate classification (germline): Benign/Likely benign. Review status: criteria provided, multiple submitters, no conflicts (2 of 4 stars). 10 submissions from 9 submitters: Benign (9); Likely benign (1). Last evaluated 2026-01-28.

Conditions:
Seckel syndrome 4 (SCKL4). Identifiers: Orphanet 808, MedGen C3888212, MONDO:0013358, OMIM 613676.
Microcephaly 6, primary, autosomal recessive. Identifiers: Orphanet 2512, MedGen C1842109, MONDO:0012029, OMIM 608393.

Allele frequency attached by ClinVar (database versions not stated): gnomAD exomes 0.00268 and 0.00674; ESP Exome Variant Server 0.00046; TOPMed 0.00436; ExAC 0.00606; 1000 Genomes Project 30x 0.00921; gnomAD 0.00264 and 0.00314; 1000 Genomes Project 0.00919.
gnomAD v4.1: 4,364 of 1,614,208 alleles (0.27%); highest among the groups gnomAD compares: East Asian, 4%; 73 homozygotes.

Submissions (10):

Labcorp Genetics (formerly Invitae), Labcorp
Classification: Benign. Last evaluated: 2026-01-28. Review status: criteria provided, single submitter. Criteria: Invitae Variant Classification Sherloc (09022015). Collection method: clinical testing. Allele origin: germline.

Athena Diagnostics
Classification: Benign. Last evaluated: 2024-09-27. Review status: criteria provided, single submitter. Criteria: Athena Diagnostics Criteria. Collection method: clinical testing. Allele origin: unknown.

Fulgent Genetics
Classification: Likely benign for Microcephaly 6, primary, autosomal recessive; Seckel syndrome 4. Last evaluated: 2021-09-29. Review status: criteria provided, single submitter. Criteria: ACMG Guidelines, 2015. Collection method: clinical testing. Allele origin: unknown.

Illumina Laboratory Services, Illumina
Classification: Benign for Seckel syndrome 4. Last evaluated: 2018-01-12. Review status: criteria provided, single submitter. Criteria: ICSL Variant Classification Criteria 13 December 2019. Collection method: clinical testing. Allele origin: germline.
Comment: This variant was observed in the ICSL laboratory as part of a predisposition screen in an ostensibly healthy population. It had not been previously curated by ICSL or reported in the Human Gene Mutation Database (HGMD: prior to June 1st, 2018), and was therefore a candidate for classification through an automated scoring system. Utilizing variant allele frequency, disease prevalence and penetrance estimates, and inheritance mode, an automated score was calculated to assess if this variant is too frequent to cause the disease. Based on the score and internal cut-off values, a variant classified as benign is not then subjected to further curation. The score for this variant resulted in a classification of benign for this disease.

Illumina Laboratory Services, Illumina
Classification: Benign for Microcephaly 6, primary, autosomal recessive. Last evaluated: 2018-01-12. Review status: criteria provided, single submitter. Criteria: ICSL Variant Classification Criteria 13 December 2019. Collection method: clinical testing. Allele origin: germline.
Comment: the same text as in the submission from Illumina Laboratory Services, Illumina above.

GeneDx
Classification: Benign. Last evaluated: 2015-03-03. Review status: criteria provided, single submitter. Criteria: GeneDx Variant Classification Process June 2021. Collection method: clinical testing. Allele origin: germline. Affected: yes.

Eurofins Ntd Llc (ga)
Classification: Benign. Last evaluated: 2014-04-08. Review status: criteria provided, single submitter. Criteria: EGL Classification Definitions 2015. Collection method: clinical testing. Allele origin: germline. Observed: 2 variant alleles, 2 heterozygotes.

Genetic Services Laboratory, University of Chicago
Classification: Benign. Last evaluated: 2013-02-08. Review status: criteria provided, single submitter. Criteria: ACMG Guidelines, 2007. Collection method: clinical testing. Allele origin: germline. Inheritance: Autosomal recessive inheritance.

Breakthrough Genomics
Classification: Benign. Review status: criteria provided, single submitter. Criteria: ACMG Guidelines, 2015. Collection method: not provided. Allele origin: germline. Inheritance: Autosomal recessive inheritance. Affected: yes.

PreventionGenetics, part of Exact Sciences
Classification: Benign. Review status: criteria provided, single submitter. Criteria: ACMG Guidelines, 2015. Collection method: clinical testing. Allele origin: germline.

NM_018451.5(CPAP):c.68A>G (p.Asn23Ser)

Gene: CPAP (centrosome assembly and centriole elongation protein; minus strand). Cytogenetic location: 13q12.13.
Variant type: single nucleotide variant.
Coding change: c.68A>G on transcript NM_018451.5 (MANE Select); coding-DNA position 68, A replaced by G.
Protein change: p.Asn23Ser; replaces asparagine 23 with serine.
Molecular consequence: missense variant. On other transcripts: non-coding transcript variant (2).
Genome position (GRCh38, 1-based): chr13:24,912,958, T>C on the plus strand (A>G on the coding strand, the complement: CPAP is on the minus strand). VCF-style: chr13-24912958-T-C. GRCh37 (hg19) VCF-style: chr13-25487096-T-C.
Other names: short protein forms N23S.
Identifiers: ClinVar variation 158219 (VCV000158219.27), dbSNP rs116981543, ClinGen allele CA171700.